The following is an entry in ClinVar:

ClinVar aggregate classification (germline): Uncertain significance (1 of 4 stars; one submission).

Conditions:
Cardiovascular phenotype. Identifiers: MedGen CN230736.

Submission:

Ambry Genetics
Classification: Uncertain significance for Cardiovascular phenotype. Last evaluated: 2025-03-13. Review status: criteria provided, single submitter. Criteria: Ambry Variant Classification Scheme 2023. Collection method: clinical testing. Allele origin: germline.
Comment: The p.H2233R variant (also known as c.6698A>G), located in coding exon 38 of the ANK2 gene, results from an A to G substitution at nucleotide position 6698. The histidine at codon 2233 is replaced by arginine, an amino acid with highly similar properties. This amino acid position is conserved. In addition, this alteration is predicted to be deleterious by in silico analysis. Based on the available evidence, the clinical significance of this variant remains unclear.

NM_001148.6(ANK2):c.6698A>G (p.His2233Arg)

Gene: ANK2 (ankyrin 2; plus strand). Cytogenetic location: 4q26.
Variant type: single nucleotide variant.
Coding change: c.6698A>G on transcript NM_001148.6 (MANE Select); coding-DNA position 6698, A replaced by G.
Protein change: p.His2233Arg; replaces histidine 2233 with arginine.
Molecular consequence: missense variant. On other transcripts: intron variant (68).
Genome position (GRCh38, 1-based): chr4:113,355,316, A>G. VCF-style: chr4-113355316-A-G. GRCh37 (hg19) VCF-style: chr4-114276472-A-G.
Other names: c.6464A>G, p.His2155Arg (NM_001386142.1); c.3098A>G, p.His1033Arg (NM_001386166.1); c.6839A>G, p.His2280Arg (NM_001386174.1); c.6815A>G, p.His2272Arg (NM_001386175.1); c.4411+5067A>G (NM_001386186.2, NM_001386148.2); c.4213+5067A>G (NM_001354269.3); c.4291+5067A>G (NM_001386187.2); c.4252+5067A>G (NM_001386147.1); and 35 more; short protein forms H2280R, H1033R, H2155R, H2233R, H2272R.
Identifiers: ClinVar variation 3864344 (VCV003864344.1).